The following is an entry in ClinVar:

ClinVar aggregate classification (germline): Uncertain significance (1 of 4 stars; one submission).

Conditions:
Lymphatic malformation 9. Identifiers: MedGen C5543365, MONDO:0030270, OMIM 619319.

Submission:

Juno Genomics, Hangzhou Juno Genomics, Inc
Classification: Uncertain significance for Lymphatic malformation 9. Review status: criteria provided, single submitter. Criteria: ACMG Guidelines, 2015. Collection method: clinical testing. Allele origin: germline.
Comment: Absent from controls (or at extremely low frequency if recessive) in Genome Aggregation Database.;Null variant in a gene where loss of function (LOF) is a known mechanism of disease.

NM_001378328.1(CELSR1):c.4589_4590del (p.Val1530fs)

Gene: CELSR1 (cadherin EGF LAG seven-pass G-type receptor 1; minus strand). Cytogenetic location: 22q13.31.
Variant type: Microsatellite.
Coding change: c.4589_4590del on transcript NM_001378328.1 (MANE Select); coding-DNA positions 4589 to 4590, 2 bases deleted (TG; older notation c.4589_4590delTG).
Protein change: p.Val1530fs; shifts the reading frame from valine 1530.
Molecular consequence: frameshift variant.
Genome position (GRCh38, 1-based): chr22:46,433,414-46,433,415, CA deleted on the plus strand (TG on the coding strand, the reverse complement: CELSR1 is on the minus strand); deleting any 2 consecutive bases within chr22:46,433,414-46,433,417 gives the same sequence; the c. name uses the placement nearest the transcript's 3' end. VCF-style (leftmost placement, unchanged base first): chr22-46433413-GCA-G. GRCh37 (hg19) VCF-style: chr22-46829310-GCA-G.
Other names: c.4589_4590del, p.Val1530fs (NM_014246.4); short protein forms V1530fs.
Identifiers: ClinVar variation 5006506 (VCV005006506.2).